The following is an entry in ClinVar:

ClinVar aggregate classification (germline): Pathogenic (1 of 4 stars; one submission).

Conditions:
Fanconi anemia complementation group O. Also called: RAD51C-Related Fanconi Anemia. Identifiers: Orphanet 84, MedGen C3150653, MONDO:0013248, OMIM 613390.

Submission:

Labcorp Genetics (formerly Invitae), Labcorp
Classification: Pathogenic for Fanconi anemia complementation group O. Last evaluated: 2023-12-13. Review status: criteria provided, single submitter. Criteria: Invitae Variant Classification Sherloc (09022015). Collection method: clinical testing. Allele origin: unknown.
Comment: This variant is a gross deletion of the genomic region encompassing exon(s) 4-5 of the RAD51C gene. This deletion is out-of-frame, and is expected to create a premature termination codon and result in an absent or disrupted protein product. Loss-of-function variants in RAD51C are known to be pathogenic (PMID: 20400964, 21990120, 24800917, 29278735). This variant has not been reported in the literature in individuals affected with RAD51C-related conditions. For these reasons, this variant has been classified as Pathogenic.

Literature cited by the submitters: PubMed 20400964; PubMed 21990120; PubMed 24800917; PubMed 29278735.

NC_000017.10:g.(?_56780537)_(56787371_?)del

Gene: RAD51C (RAD51 paralog C; plus strand). Cytogenetic location: 17q22.
Variant type: Deletion.
Identifiers: ClinVar variation 3243083 (VCV003243083.1).